The following is an entry in ClinVar:

NM_001172509.2(SATB2):c.1594C>T (p.Arg532Cys)

Gene: SATB2 (SATB homeobox 2; minus strand). Cytogenetic location: 2q33.1.
Variant type: single nucleotide variant.
Coding change: c.1594C>T on transcript NM_001172509.2 (MANE Select); coding-DNA position 1594, C replaced by T.
Protein change: p.Arg532Cys; replaces arginine 532 with cysteine.
Molecular consequence: missense variant.
Genome position (GRCh38, 1-based): chr2:199,308,906, G>A on the plus strand (C>T on the coding strand, the complement: SATB2 is on the minus strand). VCF-style: chr2-199308906-G-A. GRCh37 (hg19) VCF-style: chr2-200173629-G-A.
Other names: c.1594C>T (NM_015265.3); c.1594C>T, p.Arg532Cys (NM_001172517.1, NM_015265.4); short protein forms R532C.
Identifiers: ClinVar variation 1174112 (VCV001174112.11), dbSNP rs2105769188, ClinGen allele CA350384570.

ClinVar aggregate classification (germline): Uncertain significance. Review status: criteria provided, multiple submitters, no conflicts (2 of 4 stars). 3 submissions from 3 submitters: Uncertain significance (2). 1 of the submissions does not count toward it. Last evaluated 2023-10-15.

Conditions:
Chromosome 2q32-q33 deletion syndrome (GLASS). Also called: Glass syndrome; 2q33.1 deletion syndrome. Identifiers: Orphanet 251019, MedGen C2676739, MONDO:0012864, OMIM 612313.
Global developmental delay (DD). Also called: Cognitive delay. Identifiers: MedGen C0557874, HP:0001263. Disease mechanism: loss of function.

Allele frequency attached by ClinVar (database versions not stated): gnomAD exomes below 0.00001.
gnomAD v4.1: 1 of 1,614,142 alleles (0.000062%); no homozygotes.

Submissions (3):

GeneDx
Classification: Uncertain significance. Last evaluated: 2023-10-15. Review status: criteria provided, single submitter. Criteria: GeneDx Variant Classification Process June 2021. Collection method: clinical testing. Allele origin: germline.
Comment: De novo variant with confirmed parentage in a patient with craniorachischisis in published literature (Wang et al., 2019); Not observed at significant frequency in large population cohorts (gnomAD); In silico analysis supports that this missense variant has a deleterious effect on protein structure/function; This variant is associated with the following publications: (PMID: 31849593)

Labcorp Genetics (formerly Invitae), Labcorp
Classification: Uncertain significance for Chromosome 2q32-q33 deletion syndrome. Last evaluated: 2022-06-27. Review status: criteria provided, single submitter. Criteria: Invitae Variant Classification Sherloc (09022015). Collection method: clinical testing. Allele origin: germline.
Comment: This missense change has been observed in individual(s) with anencephaly (PMID: 31849593). In summary, the available evidence is currently insufficient to determine the role of this variant in disease. Therefore, it has been classified as a Variant of Uncertain Significance. Advanced modeling of protein sequence and biophysical properties (such as structural, functional, and spatial information, amino acid conservation, physicochemical variation, residue mobility, and thermodynamic stability) performed at Invitae indicates that this missense variant is expected to disrupt SATB2 protein function. ClinVar contains an entry for this variant (Variation ID: 1174112). This variant is not present in population databases (gnomAD no frequency). This sequence change replaces arginine, which is basic and polar, with cysteine, which is neutral and slightly polar, at codon 532 of the SATB2 protein (p.Arg532Cys).

Centre de Biologie Pathologie Génétique, Centre Hospitalier Universitaire de Lille
Classification: Uncertain significance for Global developmental delay. Last evaluated: 2020-01-01. Review status: no assertion criteria provided. Collection method: clinical testing. Allele origin: germline. Affected: yes. Not counted in ClinVar's aggregate classification.

Literature cited by the submitters: PubMed 31849593 (cited by Labcorp Genetics (formerly Invitae), Labcorp).